The following is an entry in ClinVar:

ClinVar aggregate classification (germline): Likely benign. Review status: criteria provided, multiple submitters, no conflicts (2 of 4 stars). 3 submissions from 3 submitters: Likely benign (3). Last evaluated 2023-03-23.

Conditions:
Early-infantile DEE. Also called: Ohtahara syndrome; Early infantile epileptic encephalopathy with suppression bursts; Early infantile epileptic encephalopathy. Identifiers: Orphanet 1934, MedGen C0393706, MONDO:0800491.

Allele frequency attached by ClinVar (database versions not stated): gnomAD 0.00001; gnomAD exomes 0.00001 and 0.00004; TOPMed 0.00001; ExAC 0.00002.
gnomAD v4.1: 55 of 1,607,054 alleles (0.0034%); highest among the groups gnomAD compares: South Asian, 0.0045%; no homozygotes.

Submissions (3):

Blueprint Genetics
Classification: Likely benign. Last evaluated: 2023-03-23. Review status: criteria provided, single submitter. Criteria: ACMG Guidelines, 2015. Collection method: clinical testing. Allele origin: germline.

CeGaT Center for Human Genetics Tuebingen
Classification: Likely benign. Last evaluated: 2022-08-01. Review status: criteria provided, single submitter. Criteria: CeGaT Center For Human Genetics Tuebingen Variant Classification Criteria Version 2. Collection method: clinical testing. Allele origin: germline. Affected: yes. Observed: 1 variant allele.
Comment: SCN8A: BP4, BP7

Labcorp Genetics (formerly Invitae), Labcorp
Classification: Likely benign for Early-infantile DEE. Last evaluated: 2022-02-26. Review status: criteria provided, single submitter. Criteria: Invitae Variant Classification Sherloc (09022015). Collection method: clinical testing. Allele origin: germline.

NM_001330260.2(SCN8A):c.1566T>C (p.Asp522=)

Gene: SCN8A (sodium voltage-gated channel alpha subunit 8; plus strand). Cytogenetic location: 12q13.13.
Variant type: single nucleotide variant.
Coding change: c.1566T>C on transcript NM_001330260.2 (MANE Select); coding-DNA position 1566, T replaced by C.
Protein change: p.Asp522=; no amino-acid change (aspartic acid 522 retained).
Molecular consequence: synonymous variant.
Genome position (GRCh38, 1-based): chr12:51,706,646, T>C. VCF-style: chr12-51706646-T-C. GRCh37 (hg19) VCF-style: chr12-52100430-T-C.
Other names: c.1566T>C, p.Asp522= (NM_001177984.3, NM_001369788.1, NM_014191.4).
Identifiers: ClinVar variation 1556282 (VCV001556282.33), dbSNP rs768201816, ClinGen allele CA6571280.